The following is an entry in ClinVar:

NM_199242.3(UNC13D):c.2037_2038insG (p.Arg680fs)

Gene: UNC13D (unc-13 homolog D; minus strand). Cytogenetic location: 17q25.1.
Variant type: Insertion.
Coding change: c.2037_2038insG on transcript NM_199242.3 (MANE Select); coding-DNA positions 2037 to 2038, G inserted.
Protein change: p.Arg680fs; shifts the reading frame from arginine 680.
Molecular consequence: frameshift variant.
Genome position: GRCh38 VCF-style: chr17-75834671-G-GC. GRCh37 (hg19) VCF-style: chr17-73830752-G-GC.
Other names: c.2037_2038insG (NM_199242.2); short protein forms R680fs.
Identifiers: ClinVar variation 1074705 (VCV001074705.9), dbSNP rs2143876026, ClinGen allele CA2499224938.

ClinVar aggregate classification (germline): Pathogenic. Review status: criteria provided, multiple submitters, no conflicts (2 of 4 stars). 2 submissions from 2 submitters: Pathogenic (2). Last evaluated 2026-02-05.

Conditions:
Familial hemophagocytic lymphohistiocytosis 3 (FHL3). Also called: UNC13D-Related Familial Hemophagocytic Lymphohistiocytosis (UNC13D-fHLH). Identifiers: Orphanet 540, MedGen C1837174, MONDO:0012146, OMIM 608898.

Allele frequency attached by ClinVar (database versions not stated): gnomAD exomes 0.00001.

Submissions (2):

GeneDx
Classification: Pathogenic. Last evaluated: 2026-02-05. Review status: criteria provided, single submitter. Criteria: GeneDx Variant Classification Process June 2021. Collection method: clinical testing. Allele origin: germline. Affected: yes.
Comment: Not observed at significant frequency in large population cohorts (gnomAD); Frameshift variant predicted to result in protein truncation or nonsense mediated decay in a gene for which loss of function is a known mechanism of disease; This variant is associated with the following publications: (PMID: 32542393, 24470399)

Labcorp Genetics (formerly Invitae), Labcorp
Classification: Pathogenic for Familial hemophagocytic lymphohistiocytosis 3. Last evaluated: 2022-10-25. Review status: criteria provided, single submitter. Criteria: Invitae Variant Classification Sherloc (09022015). Collection method: clinical testing. Allele origin: germline.
Comment: For these reasons, this variant has been classified as Pathogenic. ClinVar contains an entry for this variant (Variation ID: 1074705). This premature translational stop signal has been observed in individual(s) with hemophagocytic lymphohistiocytosis (HLH) (PMID: 24470399). This variant is not present in population databases (gnomAD no frequency). This sequence change creates a premature translational stop signal (p.Arg680Alafs*25) in the UNC13D gene. It is expected to result in an absent or disrupted protein product. Loss-of-function variants in UNC13D are known to be pathogenic (PMID: 14622600).

Literature cited by the submitters: PubMed 24470399 (cited by Labcorp Genetics (formerly Invitae), Labcorp); PubMed 14622600 (cited by Labcorp Genetics (formerly Invitae), Labcorp).